The following is an entry in ClinVar:

ClinVar aggregate classification (germline): Uncertain significance (1 of 4 stars; one submission).

Conditions:
Familial encephalopathy with neuroserpin inclusion bodies. Also called: ENCEPHALOPATHY, FAMILIAL, WITH COLLINS BODIES. Identifiers: Orphanet 85110, MedGen C1858680, MONDO:0011412, OMIM 604218.

gnomAD v4.1: 1 of 1,614,122 alleles (0.000062%); highest among the groups gnomAD compares: African/African-American, 0.0013%; no homozygotes.

Submission:

Labcorp Genetics (formerly Invitae), Labcorp
Classification: Uncertain significance for Familial encephalopathy with neuroserpin inclusion bodies. Last evaluated: 2023-11-07. Review status: criteria provided, single submitter. Criteria: Invitae Variant Classification Sherloc (09022015). Collection method: clinical testing. Allele origin: germline.
Comment: This sequence change replaces threonine, which is neutral and polar, with alanine, which is neutral and non-polar, at codon 20 of the SERPINI1 protein (p.Thr20Ala). This variant is not present in population databases (gnomAD no frequency). This variant has not been reported in the literature in individuals affected with SERPINI1-related conditions. Advanced modeling of protein sequence and biophysical properties (such as structural, functional, and spatial information, amino acid conservation, physicochemical variation, residue mobility, and thermodynamic stability) performed at Invitae indicates that this missense variant is not expected to disrupt SERPINI1 protein function with a negative predictive value of 95%. In summary, the available evidence is currently insufficient to determine the role of this variant in disease. Therefore, it has been classified as a Variant of Uncertain Significance.

NM_001122752.2(SERPINI1):c.58A>G (p.Thr20Ala)

Gene: SERPINI1 (serpin family I member 1; plus strand). Cytogenetic location: 3q26.1.
Variant type: single nucleotide variant.
Coding change: c.58A>G on transcript NM_001122752.2 (MANE Select); coding-DNA position 58, A replaced by G.
Protein change: p.Thr20Ala; replaces threonine 20 with alanine.
Molecular consequence: missense variant.
Genome position (GRCh38, 1-based): chr3:167,789,186, A>G. VCF-style: chr3-167789186-A-G. GRCh37 (hg19) VCF-style: chr3-167506974-A-G.
Other names: c.58A>G, p.Thr20Ala (NM_005025.5); short protein forms T20A.
Identifiers: ClinVar variation 2748384 (VCV002748384.3), dbSNP rs776621818, ClinGen allele CA355155449.
Genomic context (GRCh38, chr3:167,789,186, plus strand): 5'-AATATGGCTTTCCTTGGACTCTTCTCTTTGCTGGTTCTGCAAAGTATGGCTACAGGGGCC[A>G]CTTTCCCTGAGGAAGCCATTGCTGACTTGTCAGTGAATATGTATAATCGTCTTAGAGCCA-3'
Protein context (NP_001116224.1, residues 10-30): LVLQSMATGA[Thr20Ala]FPEEAIADLS